The following is an entry in ClinVar:

ClinVar aggregate classification (germline): Uncertain significance (1 of 4 stars; one submission).

Conditions:
GTP cyclohydrolase I deficiency. Identifiers: MedGen C0268467, MONDO:0100184.
Dystonia 5 (DRD). Also called: DYSTONIA, PROGRESSIVE, WITH DIURNAL VARIATION; DYSTONIA-PARKINSONISM WITH DIURNAL FLUCTUATION; Dystonia, DOPA-responsive, with or without hyperphenylalaninemia; GTP Cyclohydrolase 1-Deficient Dopa-Responsive Dystonia; DYT-GCH1. Identifiers: Orphanet 98808, MedGen C1851920, MONDO:0007495, OMIM 128230.

gnomAD v4.1: 7 of 1,613,938 alleles (0.00043%); highest among the groups gnomAD compares: Non-Finnish European, 0.00051%; no homozygotes.

Submission:

Labcorp Genetics (formerly Invitae), Labcorp
Classification: Uncertain significance for GTP cyclohydrolase I deficiency; Dystonia 5. Last evaluated: 2023-11-19. Review status: criteria provided, single submitter. Criteria: Invitae Variant Classification Sherloc (09022015). Collection method: clinical testing. Allele origin: germline.
Comment: This sequence change affects codon 222 of the GCH1 mRNA. It is a 'silent' change, meaning that it does not change the encoded amino acid sequence of the GCH1 protein. This variant is not present in population databases (gnomAD no frequency). This variant has not been reported in the literature in individuals affected with GCH1-related conditions. Algorithms developed to predict the effect of sequence changes on RNA splicing suggest that this variant may disrupt the consensus splice site. In summary, the available evidence is currently insufficient to determine the role of this variant in disease. Therefore, it has been classified as a Variant of Uncertain Significance.

NM_000161.3(GCH1):c.666C>T (p.Asn222=)

Gene: GCH1 (GTP cyclohydrolase 1; minus strand). Cytogenetic location: 14q22.2.
Variant type: single nucleotide variant.
Coding change: c.666C>T on transcript NM_000161.3 (MANE Select); coding-DNA position 666, C replaced by T.
Protein change: p.Asn222=; no amino-acid change (asparagine 222 retained).
Molecular consequence: synonymous variant. On other transcripts: intron variant (3).
Genome position (GRCh38, 1-based): chr14:54,844,104, G>A on the plus strand (C>T on the coding strand, the complement: GCH1 is on the minus strand). VCF-style: chr14-54844104-G-A. GRCh37 (hg19) VCF-style: chr14-55310822-G-A.
Other names: c.510-1050C>T (NM_001424104.1); c.627-1050C>T (NM_001024071.2); c.627-235C>T (NM_001024070.2); c.666C>T, p.Asn222= (NM_001024024.2); c.372C>T, p.Asn124= (NM_001424105.1).
Identifiers: ClinVar variation 2936189 (VCV002936189.3), dbSNP rs773232145, ClinGen allele CA260543024.